The following is an entry in ClinVar:

NM_018668.5(VPS33B):c.1672G>C (p.Asp558His)

Gene: VPS33B (VPS33B late endosome and lysosome associated; minus strand). Cytogenetic location: 15q26.1.
Variant type: single nucleotide variant.
Coding change: c.1672G>C on transcript NM_018668.5 (MANE Select); coding-DNA position 1672, G replaced by C.
Protein change: p.Asp558His; replaces aspartic acid 558 with histidine.
Molecular consequence: missense variant.
Genome position (GRCh38, 1-based): chr15:90,999,779, C>G on the plus strand (G>C on the coding strand, the complement: VPS33B is on the minus strand). VCF-style: chr15-90999779-C-G. GRCh37 (hg19) VCF-style: chr15-91543009-C-G.
Other names: c.1591G>C, p.Asp531His (NM_001289148.1); c.1399G>C, p.Asp467His (NM_001289149.1); short protein forms D531H, D467H, D558H.
Identifiers: ClinVar variation 1929868 (VCV001929868.6), dbSNP rs2040381240, ClinGen allele CA393884802.

ClinVar aggregate classification (germline): Uncertain significance. Review status: criteria provided, multiple submitters, no conflicts (2 of 4 stars). 2 submissions from 2 submitters: Uncertain significance (2). Last evaluated 2024-02-19.

Conditions:
Cholestasis, progressive familial intrahepatic, 12 (PFIC12). Also called: CHOLESTASIS, ISOLATED LOW-GGT. Identifiers: MedGen C5774311, MONDO:0031040, OMIM 620010.
Keratoderma-ichthyosis-deafness syndrome, autosomal recessive (KDIDAR). Identifiers: MedGen C5774200, MONDO:0859278, OMIM 620009.
Arthrogryposis, renal dysfunction, and cholestasis 1 (ARCS1). Identifiers: Orphanet 2697, MedGen C1859722, MONDO:0008822, OMIM 208085.

Allele frequency attached by ClinVar (database versions not stated): gnomAD exomes below 0.00001; TOPMed below 0.00001.
gnomAD v4.1: 1 of 1,614,184 alleles (0.000062%); highest among the groups gnomAD compares: African/African-American, 0.0013%; no homozygotes.

Submissions (2):

Fulgent Genetics
Classification: Uncertain significance for Arthrogryposis, renal dysfunction, and cholestasis 1; Keratoderma-ichthyosis-deafness syndrome, autosomal recessive; Cholestasis, progressive familial intrahepatic, 12. Last evaluated: 2024-02-19. Review status: criteria provided, single submitter. Criteria: ACMG Guidelines, 2015. Collection method: clinical testing. Allele origin: germline.

Labcorp Genetics (formerly Invitae), Labcorp
Classification: Uncertain significance. Last evaluated: 2022-08-19. Review status: criteria provided, single submitter. Criteria: Invitae Variant Classification Sherloc (09022015). Collection method: clinical testing. Allele origin: germline.
Comment: In summary, the available evidence is currently insufficient to determine the role of this variant in disease. Therefore, it has been classified as a Variant of Uncertain Significance. Algorithms developed to predict the effect of missense changes on protein structure and function are either unavailable or do not agree on the potential impact of this missense change (SIFT: "Not Available"; PolyPhen-2: "Benign"; Align-GVGD: "Not Available"). This variant has not been reported in the literature in individuals affected with VPS33B-related conditions. This variant is not present in population databases (gnomAD no frequency). This sequence change replaces aspartic acid, which is acidic and polar, with histidine, which is basic and polar, at codon 558 of the VPS33B protein (p.Asp558His).